The following is an entry in ClinVar:

ClinVar aggregate classification (germline): Uncertain significance (1 of 4 stars; one submission).

Submission:

Dasa
Classification: Uncertain significance. Last evaluated: 2025-02-24. Review status: criteria provided, single submitter. Criteria: DASA Assertion Criteria. Collection method: clinical testing. Allele origin: germline.
Comment: NM_020779.4(WDR35):c.908G>A (p.Gly303Glu) is a missense variant that results in the substitution of glycine with glutamic acid. This variant is absent from population databases. Computational prediction algorithms are consistent with a benign effect. The currently available literature and clinical evidence are not sufficient to establish a definitive association between this variant and the reported condition. Therefore, this variant is classified as a variant of uncertain significance.

NM_020779.4(WDR35):c.908G>A (p.Gly303Glu)

Gene: WDR35 (WD repeat domain 35; minus strand). Cytogenetic location: 2p24.1.
Variant type: single nucleotide variant.
Coding change: c.908G>A on transcript NM_020779.4 (MANE Select); coding-DNA position 908, G replaced by A.
Protein change: p.Gly303Glu; replaces glycine 303 with glutamic acid.
Molecular consequence: missense variant.
Genome position (GRCh38, 1-based): chr2:19,969,580, C>T on the plus strand (G>A on the coding strand, the complement: WDR35 is on the minus strand). VCF-style: chr2-19969580-C-T. GRCh37 (hg19) VCF-style: chr2-20169341-C-T.
Other names: c.908G>A, p.Gly303Glu (NM_001006657.2); short protein forms G303E.
Identifiers: ClinVar variation 4881911 (VCV004881911.2).
Genomic context (GRCh38, chr2:19,969,580, plus strand): 5'-TCAACAGCTAGTGCAATTTTCAGTCCACCTCCTTCCCAAGATAGTGCAGATATTTCCTTT[C>T]CAGGAACTTTCAAAGTACCCAGATGCTGAAAAAGAAAGTTATCTTTAACCTAAAGTATAA-3'
Protein context (NP_065830.2, residues 293-313): GEHLGTLKVP[Gly303Glu]KEISALSWEG